The following is an entry in ClinVar:

ClinVar aggregate classification (germline): Benign (0 of 4 stars; one submission).

Conditions:
ZFHX4-related disorder. Also called: ZFHX4-related condition.

Allele frequency attached by ClinVar (database versions not stated): 1000 Genomes Project 0.00759; 1000 Genomes Project 30x 0.00812; TOPMed 0.01724; ExAC 0.02068; ESP Exome Variant Server 0.02239; gnomAD 0.02245; gnomAD exomes 0.02773.
gnomAD v4.1: 43,751 of 1,613,800 alleles (2.7%); highest among the groups gnomAD compares: Non-Finnish European, 3.1%; 719 homozygotes.

Submission:

PreventionGenetics, part of Exact Sciences
Classification: Benign for ZFHX4-related condition. Last evaluated: 2019-05-08. Review status: no assertion criteria provided. Collection method: clinical testing. Allele origin: germline.
Comment: This variant is classified as benign based on ACMG/AMP sequence variant interpretation guidelines (Richards et al. 2015 PMID: 25741868, with internal and published modifications).

NM_024721.5(ZFHX4):c.7179A>G (p.Pro2393=)

Gene: ZFHX4 (zinc finger homeobox 4; plus strand). Cytogenetic location: 8q21.13.
Variant type: single nucleotide variant.
Coding change: c.7179A>G on transcript NM_024721.5 (MANE Select); coding-DNA position 7179, A replaced by G.
Protein change: p.Pro2393=; no amino-acid change (proline 2393 retained).
Molecular consequence: synonymous variant.
Genome position (GRCh38, 1-based): chr8:76,854,100, A>G. VCF-style: chr8-76854100-A-G. GRCh37 (hg19) VCF-style: chr8-77766336-A-G.
Other names: c.7101A>G, p.Pro2367= (NM_001410934.1).
Identifiers: ClinVar variation 3038346 (VCV003038346.2), dbSNP rs113906809, ClinGen allele CA4787929.
Genomic context (GRCh38, chr8:76,854,100, plus strand): 5'-TAAAAACGCTGCTGCCCCTGCAGCAAGTTCTGGCTCTGGGACCAGCACCCCCCTGATTCC[A>G]TCACCCAAACCAGAACCTGAGAAGACTTCTCCAAAACCTGAATATCCCGCAGAAAAGCCA-3'
Protein context (NP_078997.4, residues 2383-2403): SGSGTSTPLI[Pro2393=]SPKPEPEKTS